The following is an entry in ClinVar:

NM_002332.3(LRP1):c.10492G>A (p.Glu3498Lys)

Gene: LRP1 (LDL receptor related protein 1; plus strand). Cytogenetic location: 12q13.3.
Variant type: single nucleotide variant.
Coding change: c.10492G>A on transcript NM_002332.3 (MANE Select); coding-DNA position 10492, G replaced by A.
Protein change: p.Glu3498Lys; replaces glutamic acid 3498 with lysine.
Molecular consequence: missense variant.
Genome position (GRCh38, 1-based): chr12:57,201,803, G>A. VCF-style: chr12-57201803-G-A. GRCh37 (hg19) VCF-style: chr12-57595586-G-A.
Other names: short protein forms E3498K.
Identifiers: ClinVar variation 4976661 (VCV004976661.1).

ClinVar aggregate classification (germline): Uncertain significance (1 of 4 stars; one submission).

Submission:

GeneDx
Classification: Uncertain significance. Last evaluated: 2023-10-18. Review status: criteria provided, single submitter. Criteria: GeneDx Variant Classification Process June 2021. Collection method: clinical testing. Allele origin: germline.
Comment: Not observed at significant frequency in large population cohorts (gnomAD); In silico analysis supports that this missense variant has a deleterious effect on protein structure/function; Has not been previously published as pathogenic or benign to our knowledge; Variants in candidate genes are classified as variants of uncertain significance in accordance with ACMG guidelines (Richards et al., 2015)